The following is an entry in ClinVar:

NM_032380.5(GFM2):c.1800ATC[1] (p.Ser602del)

Gene: GFM2 (GTP dependent ribosome recycling factor mitochondrial 2; minus strand). Cytogenetic location: 5q13.3.
Variant type: Microsatellite.
Coding change: c.1800ATC[1] on transcript NM_032380.5 (MANE Select); one copy of the 3-base unit ATC starting at c.1800; the reference has two copies in a row; one copy, 3 bases deleted.
Protein change: p.Ser602del; deletes serine 602.
Molecular consequence: inframe deletion. On other transcripts: non-coding transcript variant (1).
Genome position (GRCh38, 1-based): chr5:74,726,048-74,726,050, GAT deleted on the plus strand (ATC on the coding strand, the reverse complement: GFM2 is on the minus strand); deleting any 3 consecutive bases within chr5:74,726,048-74,726,054 gives the same sequence; the position shown is the placement nearest the transcript's 3' end. VCF-style (leftmost placement, unchanged base first): chr5-74726047-AGAT-A. GRCh37 (hg19) VCF-style: chr5-74021872-AGAT-A.
Other names: c.1896ATC[1], p.Ser634del (NM_001281302.2); c.1659ATC[1], p.Ser555del (NM_170691.3); short protein forms S602del, S634del, S555del.
Identifiers: ClinVar variation 1369297 (VCV001369297.6), dbSNP rs964340945, ClinGen allele CA120909848.

ClinVar aggregate classification (germline): Uncertain significance (1 of 4 stars; one submission).

Submission:

Labcorp Genetics (formerly Invitae), Labcorp
Classification: Uncertain significance. Last evaluated: 2021-09-21. Review status: criteria provided, single submitter. Criteria: Invitae Variant Classification Sherloc (09022015). Collection method: clinical testing. Allele origin: germline.
Comment: This variant, c.1803_1805del, results in the deletion of 1 amino acid(s) of the GFM2 protein (p.Ser602del), but otherwise preserves the integrity of the reading frame. This variant is not present in population databases (ExAC no frequency). This variant has not been reported in the literature in individuals affected with GFM2-related conditions. Experimental studies and prediction algorithms are not available or were not evaluated, and the functional significance of this variant is currently unknown. In summary, the available evidence is currently insufficient to determine the role of this variant in disease. Therefore, it has been classified as a Variant of Uncertain Significance.